The following is an entry in ClinVar:

ClinVar aggregate classification (germline): Conflicting classifications of pathogenicity. Review status: criteria provided, conflicting classifications (1 of 4 stars). 2 submissions from 2 submitters: Uncertain significance (1); Likely benign (1). Last evaluated 2026-09-11.

Conditions:
Hereditary cancer-predisposing syndrome. Also called: Tumor predisposition; Hereditary Cancer Syndrome; Neoplastic Syndromes, Hereditary; Hereditary neoplastic syndrome. Identifiers: Orphanet 140162, MedGen C0027672, MeSH D009386, MONDO:0015356.
Peutz-Jeghers syndrome (PJS). Also called: POLYPOSIS, HAMARTOMATOUS INTESTINAL; POLYPS-AND-SPOTS SYNDROME; Peutz-Jeghers polyposis; Periorificial lentiginosis syndrome. Identifiers: Orphanet 2869, MedGen C0031269, MeSH D010580, MONDO:0008280, OMIM 175200.

Submissions (2):

Ambry Genetics
Classification: Likely benign for Hereditary cancer-predisposing syndrome. Last evaluated: 2026-09-11. Review status: criteria provided, single submitter. Criteria: Ambry Variant Classification Scheme 2023. Collection method: clinical testing. Allele origin: germline.

Labcorp Genetics (formerly Invitae), Labcorp
Classification: Uncertain significance for Peutz-Jeghers syndrome. Last evaluated: 2024-01-13. Review status: criteria provided, single submitter. Criteria: Invitae Variant Classification Sherloc (09022015). Collection method: clinical testing. Allele origin: germline.
Comment: This sequence change replaces threonine, which is neutral and polar, with isoleucine, which is neutral and non-polar, at codon 402 of the STK11 protein (p.Thr402Ile). This variant is not present in population databases (gnomAD no frequency). This variant has not been reported in the literature in individuals affected with STK11-related conditions. ClinVar contains an entry for this variant (Variation ID: 818582). Advanced modeling of protein sequence and biophysical properties (such as structural, functional, and spatial information, amino acid conservation, physicochemical variation, residue mobility, and thermodynamic stability) performed at Invitae indicates that this missense variant is not expected to disrupt STK11 protein function with a negative predictive value of 95%. In summary, the available evidence is currently insufficient to determine the role of this variant in disease. Therefore, it has been classified as a Variant of Uncertain Significance.

NM_000455.5(STK11):c.1205C>T (p.Thr402Ile)

Gene: STK11 (serine/threonine kinase 11; plus strand). Cytogenetic location: 19p13.3.
Variant type: single nucleotide variant.
Coding change: c.1205C>T on transcript NM_000455.5 (MANE Select); coding-DNA position 1205, C replaced by T.
Protein change: p.Thr402Ile; replaces threonine 402 with isoleucine.
Molecular consequence: missense variant.
Genome position (GRCh38, 1-based): chr19:1,226,550, C>T. VCF-style: chr19-1226550-C-T. GRCh37 (hg19) VCF-style: chr19-1226549-C-T.
Other names: short protein forms T402I.
Identifiers: ClinVar variation 818582 (VCV000818582.8), dbSNP rs750055790, ClinGen allele CA402953709.